The following is an entry in ClinVar:

NM_016938.5(EFEMP2):c.1291G>A (p.Val431Ile)

Genes: EFEMP2 (EGF containing fibulin extracellular matrix protein 2; minus strand), MUS81 (MUS81 structure-specific endonuclease subunit; plus strand). Cytogenetic location: 11q13.1.
Variant type: single nucleotide variant.
Coding change: c.1291G>A on transcript NM_016938.5 (MANE Select); coding-DNA position 1291, G replaced by A.
Protein change: p.Val431Ile; replaces valine 431 with isoleucine.
Molecular consequence: missense variant. On other transcripts: non-coding transcript variant (1).
Genome position (GRCh38, 1-based): chr11:65,866,959, C>T on the plus strand (G>A on the coding strand, the complement: EFEMP2 is on the minus strand). VCF-style: chr11-65866959-C-T. GRCh37 (hg19) VCF-style: chr11-65634430-C-T.
Other names: short protein forms V431I.
Identifiers: ClinVar variation 3274661 (VCV003274661.1).

ClinVar aggregate classification (germline): Uncertain significance (1 of 4 stars; one submission).

Conditions:
Cardiovascular phenotype. Identifiers: MedGen CN230736.

gnomAD v4.1: 1 of 1,614,200 alleles (0.000062%); highest among the groups gnomAD compares: South Asian, 0.0011%; no homozygotes.

Submission:

Ambry Genetics
Classification: Uncertain significance for Cardiovascular phenotype. Last evaluated: 2024-04-27. Review status: criteria provided, single submitter. Criteria: Ambry Variant Classification Scheme 2023. Collection method: clinical testing. Allele origin: germline.
Comment: The p.V431I variant (also known as c.1291G>A), located in coding exon 10 of the EFEMP2 gene, results from a G to A substitution at nucleotide position 1291. The valine at codon 431 is replaced by isoleucine, an amino acid with highly similar properties. This amino acid position is conserved. In addition, the in silico prediction for this alteration is inconclusive. Based on the available evidence, the clinical significance of this variant remains unclear.